The following is an entry in ClinVar:

ClinVar aggregate classification (germline): Uncertain significance. Review status: criteria provided, multiple submitters, no conflicts (2 of 4 stars). 2 submissions from 2 submitters: Uncertain significance (2). Last evaluated 2025-12-15.

Conditions:
Hereditary cancer-predisposing syndrome. Also called: Neoplastic Syndromes, Hereditary; Hereditary Cancer Syndrome; Tumor predisposition; Hereditary neoplastic syndrome. Identifiers: Orphanet 140162, MedGen C0027672, MeSH D009386, MONDO:0015356.
Oligodontia-cancer predisposition syndrome. Also called: TOOTH AGENESIS-COLORECTAL CANCER SYNDROME. Identifiers: Orphanet 300576, MedGen C1837750, MONDO:0012075, OMIM 608615. Disease mechanism: loss of function.

Allele frequency attached by ClinVar (database versions not stated): gnomAD exomes below 0.00001; ExAC 0.00001; TOPMed 0.00001.
gnomAD v4.1: 1 of 1,614,226 alleles (0.000062%); highest among the groups gnomAD compares: East Asian, 0.0022%; no homozygotes.

Submissions (2):

Labcorp Genetics (formerly Invitae), Labcorp
Classification: Uncertain significance for Oligodontia-cancer predisposition syndrome. Last evaluated: 2025-12-15. Review status: criteria provided, single submitter. Criteria: Invitae Variant Classification Sherloc (09022015). Collection method: clinical testing. Allele origin: germline.
Comment: This sequence change replaces serine, which is neutral and polar, with isoleucine, which is neutral and non-polar, at codon 252 of the AXIN2 protein (p.Ser252Ile). This variant is present in population databases (rs750951236, gnomAD 0.006%). This variant has not been reported in the literature in individuals affected with AXIN2-related conditions. ClinVar contains an entry for this variant (Variation ID: 852936). Invitae Evidence Modeling of protein sequence and biophysical properties (such as structural, functional, and spatial information, amino acid conservation, physicochemical variation, residue mobility, and thermodynamic stability) indicates that this missense variant is not expected to disrupt AXIN2 protein function with a negative predictive value of 80%. In summary, the available evidence is currently insufficient to determine the role of this variant in disease. Therefore, it has been classified as a Variant of Uncertain Significance.

Ambry Genetics
Classification: Uncertain significance for Hereditary cancer-predisposing syndrome. Last evaluated: 2025-05-02. Review status: criteria provided, single submitter. Criteria: Ambry Variant Classification Scheme 2023. Collection method: clinical testing. Allele origin: germline.
Comment: The p.S252I variant (also known as c.755G>T), located in coding exon 1 of the AXIN2 gene, results from a G to T substitution at nucleotide position 755. The serine at codon 252 is replaced by isoleucine, an amino acid with dissimilar properties. This amino acid position is conserved. In addition, this alteration is predicted to be tolerated by in silico analysis. Based on the available evidence, the clinical significance of this variant remains unclear.

NM_004655.4(AXIN2):c.755G>T (p.Ser252Ile)

Gene: AXIN2 (axin 2; minus strand). Cytogenetic location: 17q24.1.
Variant type: single nucleotide variant.
Coding change: c.755G>T on transcript NM_004655.4 (MANE Select); coding-DNA position 755, G replaced by T.
Protein change: p.Ser252Ile; replaces serine 252 with isoleucine.
Molecular consequence: missense variant.
Genome position (GRCh38, 1-based): chr17:65,557,866, C>A on the plus strand (G>T on the coding strand, the complement: AXIN2 is on the minus strand). VCF-style: chr17-65557866-C-A. GRCh37 (hg19) VCF-style: chr17-63553984-C-A.
Other names: c.755G>T, p.Ser252Ile (NM_001363813.1); short protein forms S252I.
Identifiers: ClinVar variation 852936 (VCV000852936.10), dbSNP rs750951236, ClinGen allele CA8718994.